The following is an entry in ClinVar:

NM_000179.3(MSH6):c.2824G>A (p.Ala942Thr)

Gene: MSH6 (mutS homolog 6; plus strand). Cytogenetic location: 2p16.3.
Variant type: single nucleotide variant.
Coding change: c.2824G>A on transcript NM_000179.3 (MANE Select); coding-DNA position 2824, G replaced by A.
Protein change: p.Ala942Thr; replaces alanine 942 with threonine.
Molecular consequence: missense variant. On other transcripts: non-coding transcript variant (5), intron variant (2).
Genome position (GRCh38, 1-based): chr2:47,800,807, G>A. VCF-style: chr2-47800807-G-A. GRCh37 (hg19) VCF-style: chr2-48027946-G-A.
Other names: c.2656G>A, p.Ala886Thr (NM_001406826.1); c.2527G>A, p.Ala843Thr (NM_001406827.1, NM_001406828.1, NM_001406830.1 and 10 more transcripts); c.1918G>A, p.Ala640Thr (NM_001406829.1, NM_001406811.1, NM_001406812.1 and 6 more transcripts); c.769G>A, p.Ala257Thr (NM_001407362.1); c.2308+516G>A (NM_001406803.1); c.1606+1218G>A (NM_001406817.1); c.2299G>A, p.Ala767Thr (NM_001406806.1, NM_001406807.1, NM_001406799.1); c.2824G>A, p.Ala942Thr (NM_001406808.1, NM_001406809.1, NM_001406796.1 and 2 more transcripts); and 4 more; short protein forms A257T, A640T, A767T, A812T, A843T, A886T, A916T, A942T.
Identifiers: ClinVar variation 2650882 (VCV002650882.24), dbSNP rs2104425899, ClinGen allele CA346755687.
Genomic context (GRCh38, chr2:47,800,807, plus strand): 5'-CGAAAGACTGGACTTATTACTCCCAAAGCAGGCTTTGACTCTGATTATGACCAAGCTCTT[G>A]CTGACATAAGAGAAAATGAACAGAGCCTCCTGGAATACCTAGAGAAACAGCGCAACAGAA-3'
Protein context (NP_000170.1, residues 932-952): GFDSDYDQAL[Ala942Thr]DIRENEQSLL

ClinVar aggregate classification (germline): Uncertain significance (1 of 4 stars; one submission).

Submission:

CeGaT Center for Human Genetics Tuebingen
Classification: Uncertain significance. Last evaluated: 2023-08-01. Review status: criteria provided, single submitter. Criteria: CeGaT Center For Human Genetics Tuebingen Variant Classification Criteria Version 2. Collection method: clinical testing. Allele origin: germline. Affected: yes. Observed: 1 variant allele.
Comment: MSH6: PM2, BP4